The following is an entry in ClinVar:

NM_004656.4(BAP1):c.2151G>C (p.Arg717=)

Gene: BAP1 (BRCA1 associated deubiquitinase 1; minus strand). Cytogenetic location: 3p21.1.
Variant type: single nucleotide variant.
Coding change: c.2151G>C on transcript NM_004656.4 (MANE Select); coding-DNA position 2151, G replaced by C.
Protein change: p.Arg717=; no amino-acid change (arginine 717 retained).
Molecular consequence: synonymous variant.
Genome position (GRCh38, 1-based): chr3:52,402,327, C>G on the plus strand (G>C on the coding strand, the complement: BAP1 is on the minus strand). VCF-style: chr3-52402327-C-G. GRCh37 (hg19) VCF-style: chr3-52436343-C-G.
Other names: c.2097G>C, p.Arg699= (NM_001410772.1).
Identifiers: ClinVar variation 3379083 (VCV003379083.1).

ClinVar aggregate classification (germline): Benign (1 of 4 stars; one submission).

Conditions:
BAP1-related tumor predisposition syndrome (TPDS1). Also called: BAP1 tumor predisposition syndrome; Tumor susceptibility linked to germline BAP1 mutations; COMMON Syndrome; TUMOR PREDISPOSITION SYNDROME 1. Identifiers: Orphanet 289539, MedGen C3280492, MONDO:0013692, OMIM 614327.

Submission:

Myriad Genetics, Inc.
Classification: Benign for BAP1-related tumor predisposition syndrome. Last evaluated: 2024-07-18. Review status: criteria provided, single submitter. Criteria: Myriad Autosomal Dominant, Autosomal Recessive and X-Linked Classification Criteria (2023). Collection method: clinical testing. Allele origin: unknown.
Comment: This variant is considered benign. This variant is a silent/synonymous amino acid change and it is not expected to impact splicing.